The following is an entry in ClinVar:

ClinVar aggregate classification (germline): Uncertain significance. Review status: criteria provided, multiple submitters, no conflicts (2 of 4 stars). 3 submissions from 3 submitters: Uncertain significance (3). Last evaluated 2021-11-07.

Conditions:
Hereditary cancer-predisposing syndrome. Also called: Neoplastic Syndromes, Hereditary; Hereditary neoplastic syndrome; Tumor predisposition; Hereditary Cancer Syndrome. Identifiers: Orphanet 140162, MedGen C0027672, MeSH D009386, MONDO:0015356.
Microcephaly, normal intelligence and immunodeficiency (NBS). Also called: Immunodeficiency, microcephaly with normal intelligence; Ataxia telangiectasia variant V1; IMMUNODEFICIENCY, MICROCEPHALY, AND CHROMOSOMAL INSTABILITY; BERLIN BREAKAGE SYNDROME; SEEMANOVA SYNDROME II; Nijmegen breakage syndrome. Identifiers: Orphanet 647, MedGen C0398791, MONDO:0009623, OMIM 251260.

Submissions (3):

Genome-Nilou Lab
Classification: Uncertain significance for Microcephaly, normal intelligence and immunodeficiency. Last evaluated: 2021-11-07. Review status: criteria provided, single submitter. Criteria: ACMG Guidelines, 2015. Collection method: clinical testing. Allele origin: germline. Affected: no.

Sema4
Classification: Uncertain significance for Hereditary cancer-predisposing syndrome. Last evaluated: 2021-09-24. Review status: criteria provided, single submitter. Criteria: Sema4 Curation Guidelines. Collection method: curation. Allele origin: germline.
Comment: To the best of our knowledge, the NBN c.983A>G (p.H328R) variant has not been reported in individuals with NBN-related disease, though it was observed in a control individual of a large case-control study (PMID: 33471991). This variant is not reported in the population database Genome Aggregation Database (PMID: 32461654), but has been reported in ClinVar (Variation ID: 530747). In silico tools suggest the impact of the variant on protein function is benign, though these predictions have not been confirmed by functional studies. Based on the current evidence available, this variant is interpreted as a variant of uncertain significance.

Labcorp Genetics (formerly Invitae), Labcorp
Classification: Uncertain significance for Microcephaly, normal intelligence and immunodeficiency. Last evaluated: 2017-08-16. Review status: criteria provided, single submitter. Criteria: Invitae Variant Classification Sherloc (09022015). Collection method: clinical testing. Allele origin: germline.
Comment: Algorithms developed to predict the effect of missense changes on protein structure and function output the following: SIFT: "Tolerated"; PolyPhen-2: "Benign"; Align-GVGD: "Class C0". The arginine amino acid residue is found in multiple mammalian species, suggesting that this missense change does not adversely affect protein function. These predictions have not been confirmed by published functional studies and their clinical significance is uncertain. In summary, the available evidence is currently insufficient to determine the role of this variant in disease. Therefore, it has been classified as a Variant of Uncertain Significance. This variant has not been reported in the literature in individuals with NBN-related disease. This variant is not present in population databases (ExAC no frequency). This sequence change replaces histidine with arginine at codon 328 of the NBN protein (p.His328Arg). The histidine residue is weakly conserved and there is a small physicochemical difference between histidine and arginine.

Literature cited by the submitters: PubMed 33471991 (cited by Sema4).

NM_002485.5(NBN):c.983A>G (p.His328Arg)

Gene: NBN (nibrin; minus strand). Cytogenetic location: 8q21.3.
Variant type: single nucleotide variant.
Coding change: c.983A>G on transcript NM_002485.5 (MANE Select); coding-DNA position 983, A replaced by G.
Protein change: p.His328Arg; replaces histidine 328 with arginine.
Molecular consequence: missense variant.
Genome position (GRCh38, 1-based): chr8:89,964,421, T>C on the plus strand (A>G on the coding strand, the complement: NBN is on the minus strand). VCF-style: chr8-89964421-T-C. GRCh37 (hg19) VCF-style: chr8-90976649-T-C.
Other names: c.737A>G, p.His246Arg (NM_001024688.3); short protein forms H328R, H246R.
Identifiers: ClinVar variation 530747 (VCV000530747.15), dbSNP rs1554562099, ClinGen allele CA371656861.
Genomic context (GRCh38, chr8:89,964,421, plus strand): 5'-TTTACATAATAAAGTTGCTAACGAATCAATAAAATAATGCTTCAATTACCTGTACTGGGA[T>C]GGCCCTGAGGATCACAGTAATTCTTTGTAGTCATGAAAATCACCGCCAATCCAATTTCTG-3'
Protein context (NP_002476.2, residues 318-338): TTKNYCDPQG[His328Arg]PSTGLKTTTP